The following is an entry in ClinVar:

NM_003394.4(WNT10B):c.901C>T (p.Pro301Ser)

Gene: WNT10B (Wnt family member 10B; minus strand). Cytogenetic location: 12q13.12.
Variant type: single nucleotide variant.
Coding change: c.901C>T on transcript NM_003394.4 (MANE Select); coding-DNA position 901, C replaced by T.
Protein change: p.Pro301Ser; replaces proline 301 with serine.
Molecular consequence: missense variant.
Genome position (GRCh38, 1-based): chr12:48,966,364, G>A on the plus strand (C>T on the coding strand, the complement: WNT10B is on the minus strand). VCF-style: chr12-48966364-G-A. GRCh37 (hg19) VCF-style: chr12-49360147-G-A.
Other names: short protein forms P301S.
Identifiers: ClinVar variation 782957 (VCV000782957.18), dbSNP rs35034312, ClinGen allele CA6544067.

ClinVar aggregate classification (germline): Benign. Review status: criteria provided, multiple submitters, no conflicts (2 of 4 stars). 6 submissions from 6 submitters: Benign (3). 3 of the submissions do not count toward it. Last evaluated 2026-01-15.

Conditions:
WNT10B-related disorder. Also called: WNT10B-related condition.

Allele frequency attached by ClinVar (database versions not stated): 1000 Genomes Project 0.00359; 1000 Genomes Project 30x 0.00422; ExAC 0.00974; gnomAD exomes 0.01059 and 0.02006; TOPMed 0.01107; ESP Exome Variant Server 0.01130; gnomAD 0.01225 and 0.01260.

Submissions (6):

Labcorp Genetics (formerly Invitae), Labcorp
Classification: Benign. Last evaluated: 2026-01-15. Review status: criteria provided, single submitter. Criteria: Invitae Variant Classification Sherloc (09022015). Collection method: clinical testing. Allele origin: germline.

GeneDx
Classification: Benign. Last evaluated: 2020-08-11. Review status: criteria provided, single submitter. Criteria: GeneDx Variant Classification Process June 2021. Collection method: clinical testing. Allele origin: germline. Affected: yes.
Comment: This variant is associated with the following publications: (PMID: 20579865, 16477437, 23104151)

Breakthrough Genomics
Classification: Benign. Review status: criteria provided, single submitter. Criteria: ACMG Guidelines, 2015. Collection method: not provided. Allele origin: germline. Inheritance: Autosomal recessive inheritance. Affected: yes.

PreventionGenetics, part of Exact Sciences
Classification: Benign for WNT10B-related condition. Last evaluated: 2019-06-26. Review status: no assertion criteria provided. Collection method: clinical testing. Allele origin: germline. Not counted in ClinVar's aggregate classification.
Comment: This variant is classified as benign based on ACMG/AMP sequence variant interpretation guidelines (Richards et al. 2015 PMID: 25741868, with internal and published modifications).

Joint Genome Diagnostic Labs from Nijmegen and Maastricht, Radboudumc and MUMC+
Classification: Benign. Review status: no assertion criteria provided. Collection method: clinical testing. Allele origin: germline. Affected: yes. Study: VKGL Data-share Consensus. Not counted in ClinVar's aggregate classification.

Laboratory of Diagnostic Genome Analysis, Leiden University Medical Center (LUMC)
Classification: Likely benign. Review status: no assertion criteria provided. Collection method: clinical testing. Allele origin: germline. Affected: yes. Study: VKGL Data-share Consensus. Not counted in ClinVar's aggregate classification.